The following is an entry in ClinVar:

NM_000059.4(BRCA2):c.3775_3782dup (p.Ser1262fs)

Gene: BRCA2 (BRCA2 DNA repair associated; plus strand). Cytogenetic location: 13q13.1.
Variant type: Duplication.
Coding change: c.3775_3782dup on transcript NM_000059.4 (MANE Select); coding-DNA positions 3775 to 3782, 8 bases duplicated (AGTTTATC; older notation c.3775_3782dupAGTTTATC).
Protein change: p.Ser1262fs; shifts the reading frame from serine 1262.
Molecular consequence: frameshift variant.
Genome position (GRCh38, 1-based): chr13:32,338,130-32,338,137, AGTTTATC duplicated. VCF-style (leftmost placement, unchanged base first): chr13-32338129-A-AAGTTTATC. GRCh37 (hg19) VCF-style: chr13-32912266-A-AAGTTTATC.
Other names: short protein forms S1262fs.
Identifiers: ClinVar variation 1430639 (VCV001430639.8), dbSNP rs2137499896, ClinGen allele CA2573149335.

ClinVar aggregate classification (germline): Pathogenic. Review status: criteria provided, multiple submitters, no conflicts (2 of 4 stars). 2 submissions from 2 submitters: Pathogenic (2). Last evaluated 2021-06-09.

Conditions:
Hereditary breast ovarian cancer syndrome. Also called: Hereditary breast and ovarian cancer syndrome (HBOC); Breast and ovarian cancer; BRCA1- and BRCA2-Associated Hereditary Breast and Ovarian Cancer; Hereditary breast and/or ovarian cancer syndrome; Hereditary breast and ovarian cancer; Hereditary breast and ovarian cancer syndrome. Identifiers: Orphanet 145, MedGen C0677776, MeSH D061325, MONDO:0003582. Disease mechanism: loss of function.
Hereditary cancer-predisposing syndrome. Also called: Hereditary Cancer Syndrome; Hereditary neoplastic syndrome; Neoplastic Syndromes, Hereditary; Tumor predisposition. Identifiers: Orphanet 140162, MedGen C0027672, MeSH D009386, MONDO:0015356.

Submissions (2):

Labcorp Genetics (formerly Invitae), Labcorp
Classification: Pathogenic for Hereditary breast ovarian cancer syndrome. Last evaluated: 2021-06-09. Review status: criteria provided, single submitter. Criteria: Invitae Variant Classification Sherloc (09022015). Collection method: clinical testing. Allele origin: germline.
Comment: For these reasons, this variant has been classified as Pathogenic. This variant has not been reported in the literature in individuals with BRCA2-related conditions. This variant is not present in population databases (ExAC no frequency). This sequence change creates a premature translational stop signal (p.Ser1262Valfs*17) in the BRCA2 gene. It is expected to result in an absent or disrupted protein product. Loss-of-function variants in BRCA2 are known to be pathogenic (PMID: 20104584).

Ambry Genetics
Classification: Pathogenic for Hereditary cancer-predisposing syndrome. Last evaluated: 2020-10-10. Review status: criteria provided, single submitter. Criteria: Ambry Variant Classification Scheme 2023. Collection method: clinical testing. Allele origin: germline.
Comment: The c.3775_3782dupAGTTTATC pathogenic mutation, located in coding exon 10 of the BRCA2 gene, results from a duplication of AGTTTATC at nucleotide position 3775, causing a translational frameshift with a predicted alternate stop codon (p.S1262Vfs*17). This alteration is expected to result in loss of function by premature protein truncation or nonsense-mediated mRNA decay. As such, this alteration is interpreted as a disease-causing mutation.

Literature cited by the submitters: PubMed 20104584 (cited by Labcorp Genetics (formerly Invitae), Labcorp).